The following is an entry in ClinVar:

NM_213599.3(ANO5):c.2175T>C (p.His725=)

Gene: ANO5 (anoctamin 5; plus strand). Cytogenetic location: 11p14.3.
Variant type: single nucleotide variant.
Coding change: c.2175T>C on transcript NM_213599.3 (MANE Select); coding-DNA position 2175, T replaced by C.
Protein change: p.His725=; no amino-acid change (histidine 725 retained).
Molecular consequence: synonymous variant.
Genome position (GRCh38, 1-based): chr11:22,272,929, T>C. VCF-style: chr11-22272929-T-C. GRCh37 (hg19) VCF-style: chr11-22294475-T-C.
Other names: c.2172T>C, p.His724= (NM_001142649.2).
Identifiers: ClinVar variation 386568 (VCV000386568.9), dbSNP rs1057522538, ClinGen allele CA16606911.
Genomic context (GRCh38, chr11:22,272,929, plus strand): 5'-TCGAGTGGATGCCTGGAAACTTACCACTCAATACAGGAGAACTGTAGCTTCTAAAGCTCA[T>C]AGCATAGGTGTTTGGCAAGACATTCTTTATGGAATGGCTGTCCTTTCTGTTGCAACTAAT-3'
Protein context (NP_998764.1, residues 715-735): QYRRTVASKA[His725=]SIGVWQDILY

ClinVar aggregate classification (germline): Likely benign. Review status: criteria provided, multiple submitters, no conflicts (2 of 4 stars). 2 submissions from 2 submitters: Likely benign (2). Last evaluated 2024-02-29.

Conditions:
Gnathodiaphyseal dysplasia (GDD). Also called: GNATHODIAPHYSEAL SCLEROSIS; OSTEOGENESIS IMPERFECTA WITH UNUSUAL SKELETAL LESIONS. Identifiers: Orphanet 53697, MedGen C1833736, MONDO:0008151, OMIM 166260.
Autosomal recessive limb-girdle muscular dystrophy type 2L (LGMDR12). Also called: Limb-girdle muscular dystrophy, type 2L; MUSCULAR DYSTROPHY, LIMB-GIRDLE, AUTOSOMAL RECESSIVE 12; Limb-Girdle Muscular Dystrophy R12 Anoctamin-5-Related (LGMD-R12). Identifiers: Orphanet 206549, MedGen C1969785, MONDO:0012652, OMIM 611307.

Allele frequency attached by ClinVar (database versions not stated): gnomAD exomes below 0.00001 and 0.00001; gnomAD 0.00001; TOPMed 0.00002.
gnomAD v4.1: 5 of 1,614,008 alleles (0.00031%); highest among the groups gnomAD compares: African/African-American, 0.004%; no homozygotes.

Submissions (2):

Labcorp Genetics (formerly Invitae), Labcorp
Classification: Likely benign for Autosomal recessive limb-girdle muscular dystrophy type 2L; Gnathodiaphyseal dysplasia. Last evaluated: 2024-02-29. Review status: criteria provided, single submitter. Criteria: Invitae Variant Classification Sherloc (09022015). Collection method: clinical testing. Allele origin: germline.

GeneDx
Classification: Likely benign. Last evaluated: 2016-06-14. Review status: criteria provided, single submitter. Criteria: GeneDx Variant Classification (06012015). Collection method: clinical testing. Allele origin: germline. Affected: yes.
Comment: This variant is considered likely benign or benign based on one or more of the following criteria: it is a conservative change, it occurs at a poorly conserved position in the protein, it is predicted to be benign by multiple in silico algorithms, and/or has population frequency not consistent with disease.